The following is an entry in ClinVar:

ClinVar aggregate classification (germline): Uncertain significance (1 of 4 stars; one submission).

Conditions:
Malignant hyperthermia, susceptibility to, 1 (MHS1). Also called: Anesthesia related hyperthermia; Malignant hyperpyrexia; Fulminating hyperpyrexia; Pharmacogenic myopathy; RYR1-Related Malignant Hyperthermia Susceptibility; Malignant hyperthermia suceptibility 1. Identifiers: Orphanet 423, MedGen C2930980, MONDO:0007783, OMIM 145600.

Submission:

All of Us Research Program, National Institutes of Health
Classification: Uncertain significance for Malignant hyperthermia, susceptibility to, 1. Last evaluated: 2024-01-11. Review status: criteria provided, single submitter. Criteria: ACMG Guidelines, 2015. Collection method: clinical testing. Allele origin: germline. Inheritance: Autosomal dominant inheritance. Observed: 1 variant allele, 1 heterozygote.
Comment: This study involves interpretation of variants in research participants for the purpose of population health screening. Participant phenotype was not available at the time of variant classification. Additional details can be found in publication PMID: 35346344, PMCID: PMC8962531

NM_000540.3(RYR1):c.7807A>T (p.Ile2603Phe)

Gene: RYR1 (ryanodine receptor 1; plus strand). Cytogenetic location: 19q13.2.
Variant type: single nucleotide variant.
Coding change: c.7807A>T on transcript NM_000540.3 (MANE Select); coding-DNA position 7807, A replaced by T.
Protein change: p.Ile2603Phe; replaces isoleucine 2603 with phenylalanine.
Molecular consequence: missense variant.
Genome position (GRCh38, 1-based): chr19:38,502,699, A>T. VCF-style: chr19-38502699-A-T. GRCh37 (hg19) VCF-style: chr19-38993339-A-T.
Other names: c.7807A>T, p.Ile2603Phe (NM_001042723.2); short protein forms I2603F.
Identifiers: ClinVar variation 3075346 (VCV003075346.1), dbSNP rs2514335019, ClinGen allele CA405672269.